The following is an entry in ClinVar:

ClinVar aggregate classification (germline): Conflicting classifications of pathogenicity. Review status: criteria provided, conflicting classifications (1 of 4 stars). 4 submissions from 4 submitters: Uncertain significance (2); Benign (1); Likely benign (1). Last evaluated 2026-01-24.

Conditions:
Trichohepatoenteric syndrome 1 (THES1). Also called: DIARRHEA, FATAL INFANTILE, WITH TRICHORRHEXIS NODOSA. Identifiers: Orphanet 84064, MedGen C4551982, MONDO:0024541, OMIM 222470.

Allele frequency attached by ClinVar (database versions not stated): gnomAD exomes 0.00011 and 0.00044; gnomAD 0.00014 and 0.00023; TOPMed 0.00024; ExAC 0.00042; 1000 Genomes Project 30x 0.00141; 1000 Genomes Project 0.00160.
gnomAD v4.1: 192 of 1,613,670 alleles (0.012%); highest among the groups gnomAD compares: East Asian, 0.4%; 3 homozygotes.

Submissions (4):

Labcorp Genetics (formerly Invitae), Labcorp
Classification: Benign. Last evaluated: 2026-01-24. Review status: criteria provided, single submitter. Criteria: Invitae Variant Classification Sherloc (09022015). Collection method: clinical testing. Allele origin: germline.

CeGaT Center for Human Genetics Tuebingen
Classification: Likely benign. Last evaluated: 2023-02-01. Review status: criteria provided, single submitter. Criteria: CeGaT Center For Human Genetics Tuebingen Variant Classification Criteria Version 2. Collection method: clinical testing. Allele origin: germline. Affected: yes. Observed: 1 variant allele.
Comment: SKIC3: BS1

GeneDx
Classification: Uncertain significance. Last evaluated: 2022-01-21. Review status: criteria provided, single submitter. Criteria: GeneDx Variant Classification Process June 2021. Collection method: clinical testing. Allele origin: germline. Affected: yes.
Comment: In silico analysis supports that this missense variant does not alter protein structure/function; Has not been previously published as pathogenic or benign to our knowledge

Baylor Genetics
Classification: Uncertain significance for Trichohepatoenteric syndrome 1. Last evaluated: 2019-01-24. Review status: criteria provided, single submitter. Criteria: ACMG Guidelines, 2015. Collection method: clinical testing. Allele origin: maternal. Affected: yes.
Comment: This variant was determined to be of uncertain significance according to ACMG Guidelines, 2015 [PMID:25741868].

NM_014639.4(SKIC3):c.829G>A (p.Gly277Ser)

Gene: SKIC3 (SKI3 subunit of superkiller complex; minus strand). Cytogenetic location: 5q15.
Variant type: single nucleotide variant.
Coding change: c.829G>A on transcript NM_014639.4 (MANE Select); coding-DNA position 829, G replaced by A.
Protein change: p.Gly277Ser; replaces glycine 277 with serine.
Molecular consequence: missense variant.
Genome position (GRCh38, 1-based): chr5:95,530,152, C>T on the plus strand (G>A on the coding strand, the complement: SKIC3 is on the minus strand). VCF-style: chr5-95530152-C-T. GRCh37 (hg19) VCF-style: chr5-94865856-C-T.
Other names: short protein forms G277S.
Identifiers: ClinVar variation 1030343 (VCV001030343.36), dbSNP rs200385766, ClinGen allele CA3347520.
Genomic context (GRCh38, chr5:95,530,152, plus strand): 5'-CTGTTAGGTTCCTAACAGCATCTTCATACTTTTTGTCTTGTAATGCTTTAATGCCTAAGC[C>T]AATGAGGCCTGGACCACTTTTTGAATCCATTTCCACTAATCTACAACAATACTGCTGCCC-3'
Protein context (NP_055454.1, residues 267-287): MDSKSGPGLI[Gly277Ser]LGIKALQDKK